The following is an entry in ClinVar:

ClinVar aggregate classification (germline): Conflicting classifications of pathogenicity. Review status: criteria provided, conflicting classifications (1 of 4 stars). 5 submissions from 5 submitters: Uncertain significance (1); Benign (1); Likely benign (2). 1 of the submissions does not count toward it. Last evaluated 2025-08-16.

Conditions:
Heterotopia, periventricular, X-linked dominant (PVNH1). Also called: X-linked periventricular heterotopia; PERIVENTRICULAR NODULAR HETEROTOPIA 1; PERIVENTRICULAR NODULAR HETEROTOPIA 4; HETEROTOPIA, PERIVENTRICULAR, 1. Identifiers: Orphanet 2149, Orphanet 82004, MedGen C1848213, MONDO:0010233, OMIM 300049.
Melnick-Needles syndrome (MNS). Also called: MELNICK-NEEDLES OSTEODYSPLASTY; OSTEODYSPLASTY OF MELNICK AND NEEDLES; Melnick-Needles Syndrome (FLNA-MNS). Identifiers: Orphanet 2484, MedGen C0025237, MONDO:0010650, OMIM 309350.
Oto-palato-digital syndrome, type II (OPD2). Also called: FACIOPALATOOSSEOUS SYNDROME; Otopalatodigital Syndrome, Type II; OPD II SYNDROME; Otopalatodigital Syndrome Type 2 (FLNA-OPD2). Identifiers: Orphanet 669, Orphanet 90652, MedGen C1844696, MONDO:0010571, OMIM 304120.
Frontometaphyseal dysplasia (FMD1). Identifiers: Orphanet 1826, MedGen C0265293, MONDO:0015942.
Familial thoracic aortic aneurysm and aortic dissection (TAAD). Also called: Thoracic aortic aneurysms and dissections. Identifiers: Orphanet 91387, MedGen C4707243, MONDO:0019625.
FLNA-related disorder.

Allele frequency attached by ClinVar (database versions not stated): gnomAD exomes 0.00001; TOPMed 0.00003; gnomAD 0.00007 and 0.00008; ESP Exome Variant Server 0.00021.
gnomAD v4.1: 21 of 1,208,192 alleles (0.0017%); highest among the groups gnomAD compares: African/African-American, 0.01%; no homozygotes.

Submissions (5):

Labcorp Genetics (formerly Invitae), Labcorp
Classification: Benign for Oto-palato-digital syndrome, type II; Heterotopia, periventricular, X-linked dominant; Frontometaphyseal dysplasia; Melnick-Needles syndrome. Last evaluated: 2025-08-16. Review status: criteria provided, single submitter. Criteria: Invitae Variant Classification Sherloc (09022015). Collection method: clinical testing. Allele origin: germline.

Ambry Genetics
Classification: Uncertain significance for Familial thoracic aortic aneurysm and aortic dissection. Last evaluated: 2024-12-26. Review status: criteria provided, single submitter. Criteria: Ambry Variant Classification Scheme 2023. Collection method: clinical testing. Allele origin: germline.

Blueprint Genetics
Classification: Likely benign. Last evaluated: 2023-12-19. Review status: criteria provided, single submitter. Criteria: ACMG Guidelines, 2015. Collection method: clinical testing. Allele origin: germline.

GeneDx
Classification: Likely benign. Last evaluated: 2019-04-01. Review status: criteria provided, single submitter. Criteria: GeneDx Variant Classification Process June 2021. Collection method: clinical testing. Allele origin: germline. Affected: yes.

PreventionGenetics, part of Exact Sciences
Classification: Likely benign for FLNA-related condition. Last evaluated: 2023-08-08. Review status: no assertion criteria provided. Collection method: clinical testing. Allele origin: germline. Not counted in ClinVar's aggregate classification.
Comment: This variant is classified as likely benign based on ACMG/AMP sequence variant interpretation guidelines (Richards et al. 2015 PMID: 25741868, with internal and published modifications).

NM_001110556.2(FLNA):c.5318C>T (p.Pro1773Leu)

Gene: FLNA (filamin A; minus strand). Cytogenetic location: Xq28.
Variant type: single nucleotide variant.
Coding change: c.5318C>T on transcript NM_001110556.2 (MANE Select); coding-DNA position 5318, C replaced by T.
Protein change: p.Pro1773Leu; replaces proline 1773 with leucine.
Molecular consequence: missense variant.
Genome position (GRCh38, 1-based): chrX:154,354,479, G>A on the plus strand (C>T on the coding strand, the complement: FLNA is on the minus strand). VCF-style: chrX-154354479-G-A. GRCh37 (hg19) VCF-style: chrX-153582847-G-A.
Other names: c.5294C>T, p.Pro1765Leu (NM_001456.4); c.5318C>T (NM_001110556.1); short protein forms P1773L, P1765L.
Identifiers: ClinVar variation 836599 (VCV000836599.17), dbSNP rs377576796, ClinGen allele CA337276309.